The following is an entry in ClinVar:

ClinVar aggregate classification (germline): Likely benign (1 of 4 stars; one submission).

Conditions:
Parietal foramina 2 (PFM2). Identifiers: Orphanet 60015, MedGen C1865044, MONDO:0012309, OMIM 609597.

Allele frequency attached by ClinVar (database versions not stated): 1000 Genomes Project 0.00120; 1000 Genomes Project 30x 0.00141; gnomAD 0.00194 and 0.00210; TOPMed 0.00198.

Submission:

Illumina Laboratory Services, Illumina
Classification: Likely benign for Parietal foramina 2. Last evaluated: 2018-01-12. Review status: criteria provided, single submitter. Criteria: ICSL Variant Classification Criteria 13 December 2019. Collection method: clinical testing. Allele origin: germline.
Comment: This variant was observed in the ICSL laboratory as part of a predisposition screen in an ostensibly healthy population. It had not been previously curated by ICSL or reported in the Human Gene Mutation Database (HGMD: prior to June 1st, 2018), and was therefore a candidate for classification through an automated scoring system. Utilizing variant allele frequency, disease prevalence and penetrance estimates, and inheritance mode, an automated score was calculated to assess if this variant is too frequent to cause the disease. Based on the score and internal cut-off values, a variant classified as likely benign is not then subjected to further curation. The score for this variant resulted in a classification of likely benign for this disease.

NM_021926.4(ALX4):c.*2349C>A

Gene: ALX4 (ALX homeobox 4; minus strand). Cytogenetic location: 11p11.2.
Variant type: single nucleotide variant.
Coding change: c.*2349C>A on transcript NM_021926.4 (MANE Select); 2349 bases downstream of the stop codon, C replaced by A.
Molecular consequence: 3 prime UTR variant.
Genome position (GRCh38, 1-based): chr11:44,262,505, G>T on the plus strand (C>A on the coding strand, the complement: ALX4 is on the minus strand). VCF-style: chr11-44262505-G-T. GRCh37 (hg19) VCF-style: chr11-44284055-G-T.
Identifiers: ClinVar variation 878931 (VCV000878931.4), dbSNP rs139570599, ClinGen allele CA221484987.